The following is an entry in ClinVar:

NM_001271.4(CHD2):c.1882_1883del (p.Leu628fs)

Gene: CHD2 (chromodomain helicase DNA binding protein 2; plus strand). Cytogenetic location: 15q26.1.
Variant type: Deletion.
Coding change: c.1882_1883del on transcript NM_001271.4 (MANE Select); coding-DNA positions 1882 to 1883, 2 bases deleted (TT; older notation c.1882_1883delTT).
Protein change: p.Leu628fs; shifts the reading frame from leucine 628.
Molecular consequence: frameshift variant.
Genome position (GRCh38, 1-based): chr15:92,956,531-92,956,532, TT deleted; deleting any 2 consecutive bases within chr15:92,956,530-92,956,532 gives the same sequence; the c. name uses the placement nearest the transcript's 3' end. VCF-style (leftmost placement, unchanged base first): chr15-92956529-CTT-C. GRCh37 (hg19) VCF-style: chr15-93499759-CTT-C.
Other names: short protein forms L628fs.
Identifiers: ClinVar variation 3062238 (VCV003062238.1), dbSNP rs2141816557, ClinGen allele CA2740096781.

ClinVar aggregate classification (germline): Likely pathogenic (1 of 4 stars; one submission).

Conditions:
Developmental and epileptic encephalopathy 94 (DEE94). Also called: Epileptic encephalopathy, childhood-onset; CHD2-Related Neurodevelopmental Disorders. Identifiers: Orphanet 1942, Orphanet 2382, MedGen C3809278, MONDO:0014150, OMIM 615369.

Submission:

Molecular Genetics Department, Kulakov National Medical Research Center for Obstetrics, Gynecology and Perinatology
Classification: Likely pathogenic for Developmental and epileptic encephalopathy 94. Review status: criteria provided, single submitter. Criteria: ACMG Guidelines, 2015. Collection method: clinical testing. Allele origin: germline. Affected: yes.
Comment: A previously undescribed nucleotide variant creates a frameshift p.Leu628IlefsTer3 in the CHD2 gene. Loss-of-function variants are reported in patients with Developmental and epileptic encephalopathy 94, 615369. The variant is not present in population database (gnomAD no frequency). In summary, the currently available evidence indicates that the variant is pathogenic, but additional data are needed to prove that conclusively. Therefore, this variant has been classified as likely pathogenic.